The following is an entry in ClinVar:

ClinVar aggregate classification (germline): Pathogenic (1 of 4 stars; one submission).

Submission:

GeneDx
Classification: Pathogenic. Last evaluated: 2018-05-08. Review status: criteria provided, single submitter. Criteria: GeneDx Variant Classification (06012015). Collection method: clinical testing. Allele origin: germline. Affected: yes.
Comment: The c.2805_2806delTA variant in the CLTC gene has not been reported previously as a pathogenic variant nor as a benign variant, to our knowledge. The c.2805_2806delTA variant causes a frameshift starting with codon Asparagine 936, changes this amino acid to a Cysteine residue, and creates a premature Stop codon at position 4 of the new reading frame, denoted p.Asn936CysfsX4. This variant is predicted to cause loss of normal protein function either through protein truncation or nonsense-mediated mRNA decay. The c.2805_2806delTA variant is not observed in large population cohorts (Lek et al., 2016).

NM_004859.4(CLTC):c.2793_2794del (p.Asn932fs)

Gene: CLTC (clathrin heavy chain; plus strand). Cytogenetic location: 17q23.1.
Variant type: Deletion.
Coding change: c.2793_2794del on transcript NM_004859.4 (MANE Select); coding-DNA positions 2793 to 2794, 2 bases deleted (TA; older notation c.2793_2794delTA).
Protein change: p.Asn932fs; shifts the reading frame from asparagine 932.
Molecular consequence: frameshift variant.
Genome position (GRCh38, 1-based): chr17:59,677,185-59,677,186, TA deleted. VCF-style (leftmost placement, unchanged base first): chr17-59677184-TTA-T. GRCh37 (hg19) VCF-style: chr17-57754545-TTA-T.
Other names: c.2805_2806del, p.Asn936fs (NM_001288653.2); c.2805_2806delTA (NM_001288653.1); short protein forms N932fs, N936fs.
Identifiers: ClinVar variation 524163 (VCV000524163.2), dbSNP rs1555606652, ClinGen allele CA658798928.